The following is an entry in ClinVar:

NM_000059.4(BRCA2):c.8524C>G (p.Arg2842Gly)

Gene: BRCA2 (BRCA2 DNA repair associated; plus strand). Cytogenetic location: 13q13.1.
Variant type: single nucleotide variant.
Coding change: c.8524C>G on transcript NM_000059.4 (MANE Select); coding-DNA position 8524, C replaced by G.
Protein change: p.Arg2842Gly; replaces arginine 2842 with glycine.
Molecular consequence: missense variant.
Genome position (GRCh38, 1-based): chr13:32,370,992, C>G. VCF-style: chr13-32370992-C-G. GRCh37 (hg19) VCF-style: chr13-32945129-C-G.
Other names: short protein forms R2842G.
Identifiers: ClinVar variation 1524232 (VCV001524232.6), dbSNP rs80359104, ClinGen allele CA387752726.

ClinVar aggregate classification (germline): Uncertain significance (1 of 4 stars; one submission).

Conditions:
Hereditary breast ovarian cancer syndrome. Also called: Breast and ovarian cancer; BRCA1- and BRCA2-Associated Hereditary Breast and Ovarian Cancer; Hereditary breast and ovarian cancer syndrome; Hereditary breast and ovarian cancer; Hereditary breast and ovarian cancer syndrome (HBOC); Hereditary breast and/or ovarian cancer syndrome. Identifiers: Orphanet 145, MedGen C0677776, MeSH D061325, MONDO:0003582. Disease mechanism: loss of function.

gnomAD v4.1: 1 of 1,613,880 alleles (0.000062%); highest among the groups gnomAD compares: Non-Finnish European, 0.000085%; no homozygotes.

Submission:

Labcorp Genetics (formerly Invitae), Labcorp
Classification: Uncertain significance for Hereditary breast ovarian cancer syndrome. Last evaluated: 2024-04-22. Review status: criteria provided, single submitter. Criteria: Invitae Variant Classification Sherloc (09022015). Collection method: clinical testing. Allele origin: germline.
Comment: This sequence change replaces arginine, which is basic and polar, with glycine, which is neutral and non-polar, at codon 2842 of the BRCA2 protein (p.Arg2842Gly). This variant is not present in population databases (gnomAD no frequency). This variant has not been reported in the literature in individuals affected with BRCA2-related conditions. ClinVar contains an entry for this variant (Variation ID: 1524232). Advanced modeling of protein sequence and biophysical properties (such as structural, functional, and spatial information, amino acid conservation, physicochemical variation, residue mobility, and thermodynamic stability) has been performed at Invitae for this missense variant, however the output from this modeling did not meet the statistical confidence thresholds required to predict the impact of this variant on BRCA2 protein function. In summary, the available evidence is currently insufficient to determine the role of this variant in disease. Therefore, it has been classified as a Variant of Uncertain Significance.